The following is an entry in ClinVar:

NM_014629.4(ARHGEF10):c.349G>A (p.Val117Met)

Gene: ARHGEF10 (Rho guanine nucleotide exchange factor 10; plus strand). Cytogenetic location: 8p23.3.
Variant type: single nucleotide variant.
Coding change: c.349G>A on transcript NM_014629.4 (MANE Select); coding-DNA position 349, G replaced by A.
Protein change: p.Val117Met; replaces valine 117 with methionine.
Molecular consequence: missense variant.
Genome position (GRCh38, 1-based): chr8:1,860,052, G>A. VCF-style: chr8-1860052-G-A. GRCh37 (hg19) VCF-style: chr8-1808218-G-A.
Other names: c.349G>A, p.Val117Met (NM_001308152.2, NM_001308153.3); short protein forms V117M, V141M.
Identifiers: ClinVar variation 1354692 (VCV001354692.8), dbSNP rs2129075010, ClinGen allele CA369955768.

ClinVar aggregate classification (germline): Uncertain significance (1 of 4 stars; one submission).

Submission:

Labcorp Genetics (formerly Invitae), Labcorp
Classification: Uncertain significance. Last evaluated: 2023-10-13. Review status: criteria provided, single submitter. Criteria: Invitae Variant Classification Sherloc (09022015). Collection method: clinical testing. Allele origin: germline.
Comment: This sequence change replaces valine, which is neutral and non-polar, with methionine, which is neutral and non-polar, at codon 117 of the ARHGEF10 protein (p.Val117Met). This variant is not present in population databases (gnomAD no frequency). This variant has not been reported in the literature in individuals affected with ARHGEF10-related conditions. ClinVar contains an entry for this variant (Variation ID: 1354692). Algorithms developed to predict the effect of missense changes on protein structure and function output the following: SIFT: "Not Available"; PolyPhen-2: "Benign"; Align-GVGD: "Not Available". The methionine amino acid residue is found in multiple mammalian species, which suggests that this missense change does not adversely affect protein function. In summary, the available evidence is currently insufficient to determine the role of this variant in disease. Therefore, it has been classified as a Variant of Uncertain Significance.